The following is an entry in ClinVar:

ClinVar aggregate classification (germline): Pathogenic (1 of 4 stars; one submission).

Submission:

Labcorp Genetics (formerly Invitae), Labcorp
Classification: Pathogenic. Last evaluated: 2024-08-18. Review status: criteria provided, single submitter. Criteria: Invitae Variant Classification Sherloc (09022015). Collection method: clinical testing. Allele origin: germline.
Comment: This sequence change creates a premature translational stop signal (p.Pro3114Argfs*40) in the ZNF469 gene. While this is not anticipated to result in nonsense mediated decay, it is expected to disrupt the last 812 amino acid(s) of the ZNF469 protein. This variant is present in population databases (no rsID available, gnomAD 0.003%). This variant has not been reported in the literature in individuals affected with ZNF469-related conditions. This variant disrupts a region of the ZNF469 protein in which other variant(s) (p.Pro3556Glnfs*136) have been determined to be pathogenic (PMID: 32671420). This suggests that this is a clinically significant region of the protein, and that variants that disrupt it are likely to be disease-causing. For these reasons, this variant has been classified as Pathogenic.

Literature cited by the submitters: PubMed 32671420.

NM_001367624.2(ZNF469):c.9425del (p.Pro3142fs)

Gene: ZNF469 (zinc finger protein 469; plus strand). Cytogenetic location: 16q24.2.
Variant type: Deletion.
Coding change: c.9425del on transcript NM_001367624.2 (MANE Select); coding-DNA position 9425, one base deleted (C; older notation c.9425delC).
Protein change: p.Pro3142fs; shifts the reading frame from proline 3142.
Molecular consequence: frameshift variant.
Genome position (GRCh38, 1-based): chr16:88,436,895, C deleted; the last of 2 consecutive C bases (chr16:88,436,894-88,436,895); deleting either gives the same sequence. VCF-style (leftmost placement, unchanged base first): chr16-88436893-GC-G. GRCh37 (hg19) VCF-style: chr16-88503301-GC-G.
Other names: short protein forms P3142fs.
Identifiers: ClinVar variation 3670017 (VCV003670017.2).